The following is an entry in ClinVar:

ClinVar aggregate classification (germline): Uncertain significance. Review status: criteria provided, multiple submitters, no conflicts (2 of 4 stars). 3 submissions from 3 submitters: Uncertain significance (3). Last evaluated 2026-04-08.

Conditions:
Developmental and epileptic encephalopathy, 12 (DEE12). Identifiers: MedGen C3150988, MONDO:0013389, OMIM 613722.

Submissions (3):

Women's Health and Genetics/Laboratory Corporation of America, LabCorp
Classification: Uncertain significance. Last evaluated: 2026-04-08. Review status: criteria provided, single submitter. Criteria: LabCorp Variant Classification Summary - May 2015. Collection method: clinical testing. Allele origin: germline.
Comment: Variant summary: PNKP c.331A>T (p.Thr111Ser) results in a conservative amino acid change in the encoded protein sequence. Algorithms developed to predict the effect of missense changes on protein structure and function all suggest that this variant is likely to be tolerated. The variant was absent in 251406 control chromosomes. The available data on variant occurrences in the general population are insufficient to allow any conclusion about variant significance. To our knowledge, no occurrence of c.331A>T in individuals affected with PNKP-related conditions and no experimental evidence demonstrating its impact on protein function have been reported. ClinVar contains an entry for this variant (Variation ID: 1517811). Based on the evidence outlined above, the variant was classified as uncertain significance.

GeneDx
Classification: Uncertain significance. Last evaluated: 2025-05-07. Review status: criteria provided, single submitter. Criteria: GeneDx Variant Classification Process June 2021. Collection method: clinical testing. Allele origin: germline. Affected: yes.
Comment: Not observed at significant frequency in large population cohorts (gnomAD); In silico analysis suggests that this missense variant does not alter protein structure/function; Has not been previously published as pathogenic or benign to our knowledge

Labcorp Genetics (formerly Invitae), Labcorp
Classification: Uncertain significance for Developmental and epileptic encephalopathy, 12. Last evaluated: 2021-09-24. Review status: criteria provided, single submitter. Criteria: Invitae Variant Classification Sherloc (09022015). Collection method: clinical testing. Allele origin: germline.
Comment: This sequence change replaces threonine with serine at codon 111 of the PNKP protein (p.Thr111Ser). The threonine residue is moderately conserved and there is a small physicochemical difference between threonine and serine. This variant is not present in population databases (ExAC no frequency). This variant has not been reported in the literature in individuals with PNKP-related conditions. Algorithms developed to predict the effect of missense changes on protein structure and function are either unavailable or do not agree on the potential impact of this missense change (SIFT: "Deleterious"; PolyPhen-2: "Benign"; Align-GVGD: "Class C0"). In summary, the available evidence is currently insufficient to determine the role of this variant in disease. Therefore, it has been classified as a Variant of Uncertain Significance.

NM_007254.4(PNKP):c.331A>T (p.Thr111Ser)

Gene: PNKP (polynucleotide kinase 3'-phosphatase; minus strand). Cytogenetic location: 19q13.33.
Variant type: single nucleotide variant.
Coding change: c.331A>T on transcript NM_007254.4 (MANE Select); coding-DNA position 331, A replaced by T.
Protein change: p.Thr111Ser; replaces threonine 111 with serine.
Molecular consequence: missense variant.
Genome position (GRCh38, 1-based): chr19:49,865,294, T>A on the plus strand (A>T on the coding strand, the complement: PNKP is on the minus strand). VCF-style: chr19-49865294-T-A. GRCh37 (hg19) VCF-style: chr19-50368551-T-A.
Other names: c.331A>T (NM_007254.2); short protein forms T111S.
Identifiers: ClinVar variation 1517811 (VCV001517811.7), dbSNP rs1239561285, ClinGen allele CA406890257.